The following is an entry in ClinVar:

NM_007327.4(GRIN1):c.1912G>A (p.Gly638Ser)

Gene: GRIN1 (glutamate ionotropic receptor NMDA type subunit 1; plus strand). Cytogenetic location: 9q34.3.
Variant type: single nucleotide variant.
Coding change: c.1912G>A on transcript NM_007327.4 (MANE Select); coding-DNA position 1912, G replaced by A.
Protein change: p.Gly638Ser; replaces glycine 638 with serine.
Molecular consequence: missense variant.
Genome position (GRCh38, 1-based): chr9:137,162,638, G>A. VCF-style: chr9-137162638-G-A. GRCh37 (hg19) VCF-style: chr9-140057090-G-A.
Other names: p.Gly638Ser; c.1912G>A, p.Gly638Ser (NM_000832.7, NM_021569.4); c.1975G>A, p.Gly659Ser (NM_001185090.2, NM_001185091.2); c.1912G>A (NM_007327.3); short protein forms G659S, G638S.
Identifiers: ClinVar variation 1502674 (VCV001502674.9), dbSNP rs2131299101, ClinGen allele CA375720553.
Genomic context (GRCh38, chr9:137,162,638, plus strand): 5'-CGCCCGCCCACAGGCGCCCCCAGAAGCTTCTCAGCGCGCATCCTGGGCATGGTGTGGGCC[G>A]GCTTTGCCATGATCATCGTGGCCTCCTACACCGCCAACCTGGCGGCCTTCCTGGTGCTGG-3'
Protein context (NP_015566.1, residues 628-648): SARILGMVWA[Gly638Ser]FAMIIVASYT

ClinVar aggregate classification (germline): Uncertain significance. Review status: criteria provided, single submitter (1 of 4 stars). 2 submissions from 2 submitters: Uncertain significance (1). 1 of the submissions does not count toward it. Last evaluated 2021-12-02.

Conditions:
Neurodevelopmental disorder with or without hyperkinetic movements and seizures, autosomal dominant. Also called: Intellectual disability, autosomal dominant 8. Identifiers: MedGen C3280282, MONDO:0013655, OMIM 614254.

Submissions (2):

Labcorp Genetics (formerly Invitae), Labcorp
Classification: Uncertain significance for Neurodevelopmental disorder with or without hyperkinetic movements and seizures, autosomal dominant. Last evaluated: 2021-12-02. Review status: criteria provided, single submitter. Criteria: Invitae Variant Classification Sherloc (09022015). Collection method: clinical testing. Allele origin: germline.
Comment: In summary, the available evidence is currently insufficient to determine the role of this variant in disease. Therefore, it has been classified as a Variant of Uncertain Significance. Algorithms developed to predict the effect of sequence changes on RNA splicing suggest that this variant may create or strengthen a splice site. Advanced modeling of protein sequence and biophysical properties (such as structural, functional, and spatial information, amino acid conservation, physicochemical variation, residue mobility, and thermodynamic stability) performed at Invitae indicates that this missense variant is expected to disrupt GRIN1 protein function. This variant has not been reported in the literature in individuals affected with GRIN1-related conditions. This variant is not present in population databases (gnomAD no frequency). This sequence change replaces glycine, which is neutral and non-polar, with serine, which is neutral and polar, at codon 638 of the GRIN1 protein (p.Gly638Ser).

Clinical Genomics Laboratory, Stanford Medicine
Classification: Uncertain significance for Neurodevelopmental disorder with or without hyperkinetic movements and seizures, autosomal dominant. Last evaluated: 2021-01-27. Review status: no assertion criteria provided. Collection method: clinical testing. Allele origin: germline. Inheritance: Autosomal dominant inheritance. Affected: yes. Observed: 1 heterozygote. Not counted in ClinVar's aggregate classification.
Comment: The p.Gly638Ser variant in the GRIN1 gene has not been previously reported in association with disease. This variant was absent from large population databases, including the Genome Aggregation Database. The p.Gly638Ser variant is located in an established functional domain of GRIN1, transmembrane domain M3, and several other pathogenic and likely pathogenic variants have been described nearby in this domain (p.Ala637Val, p.Met641Thr, p.Met641Ile, p.Ile642Leu, p.Val644Met). The GRIN1 gene has fewer missense variants in the general population than expected. A low rate of missense variation may suggest that this gene is intolerant to missense variation. These data were assessed using the ACMG/AMP variant interpretation guidelines. In summary, the significance of the p.Gly638Ser variant is uncertain; however, there is suspicion that this variant could be associated with GRIN1-related neurodevelopmental disorder due to its absence in population databases and location in a functional domain near previously reported missense variants. Additional information is needed to resolve the significance of this variant. [ACMG evidence codes used: PM1; PM2, PP2]